The following is an entry in ClinVar:

NM_033004.4(NLRP1):c.1084C>G (p.Gln362Glu)

Gene: NLRP1 (NLR family pyrin domain containing 1; minus strand). Cytogenetic location: 17p13.2.
Variant type: single nucleotide variant.
Coding change: c.1084C>G on transcript NM_033004.4 (MANE Select); coding-DNA position 1084, C replaced by G.
Protein change: p.Gln362Glu; replaces glutamine 362 with glutamic acid.
Molecular consequence: missense variant.
Genome position (GRCh38, 1-based): chr17:5,559,612, G>C on the plus strand (C>G on the coding strand, the complement: NLRP1 is on the minus strand). VCF-style: chr17-5559612-G-C. GRCh37 (hg19) VCF-style: chr17-5462932-G-C.
Other names: c.1084C>G, p.Gln362Glu (NM_001033053.3, NM_014922.5, NM_033006.4 and 1 more transcripts); short protein forms Q362E.
Identifiers: ClinVar variation 2647304 (VCV002647304.24), dbSNP rs2507941141, ClinGen allele CA397387030.

ClinVar aggregate classification (germline): Uncertain significance (1 of 4 stars; one submission).

gnomAD v4.1: 1 of 1,614,178 alleles (0.000062%); highest among the groups gnomAD compares: Non-Finnish European, 0.000085%; no homozygotes.

Submission:

CeGaT Center for Human Genetics Tuebingen
Classification: Uncertain significance. Last evaluated: 2022-11-01. Review status: criteria provided, single submitter. Criteria: CeGaT Center For Human Genetics Tuebingen Variant Classification Criteria Version 2. Collection method: clinical testing. Allele origin: germline. Affected: yes. Observed: 1 variant allele.
Comment: NLRP1: PM2, BP4